The following is an entry in ClinVar:

ClinVar aggregate classification (germline): Likely benign (1 of 4 stars; one submission).

Allele frequency attached by ClinVar (database versions not stated): ExAC 0.00007.

Submission:

CeGaT Center for Human Genetics Tuebingen
Classification: Likely benign. Last evaluated: 2024-01-01. Review status: criteria provided, single submitter. Criteria: CeGaT Center For Human Genetics Tuebingen Variant Classification Criteria Version 2. Collection method: clinical testing. Allele origin: germline. Affected: yes. Observed: 1 variant allele.
Comment: PUM1: BP4, BP7

NC_000001.11:g.31065735G>A

Gene: PUM1 (pumilio RNA binding family member 1; minus strand). Cytogenetic location: 1p35.2.
Variant type: single nucleotide variant.
Genome position: GRCh38 VCF-style: chr1-31065735-G-A. GRCh37 (hg19) VCF-style: chr1-31538582-G-A.
Identifiers: ClinVar variation 3026832 (VCV003026832.22), dbSNP rs771264656, ClinGen allele CA729528.